The following is an entry in ClinVar:

ClinVar aggregate classification (germline): Benign/Likely benign. Review status: criteria provided, multiple submitters, no conflicts (2 of 4 stars). 4 submissions from 4 submitters: Benign (1); Likely benign (3). Last evaluated 2025-11-04.

Conditions:
Hereditary cancer-predisposing syndrome. Also called: Neoplastic Syndromes, Hereditary; Tumor predisposition; Hereditary neoplastic syndrome; Hereditary Cancer Syndrome. Identifiers: Orphanet 140162, MedGen C0027672, MeSH D009386, MONDO:0015356.
BAP1-related tumor predisposition syndrome (TPDS1). Also called: Tumor susceptibility linked to germline BAP1 mutations; BAP1 tumor predisposition syndrome; TUMOR PREDISPOSITION SYNDROME 1; COMMON Syndrome. Identifiers: Orphanet 289539, MedGen C3280492, MONDO:0013692, OMIM 614327.

Allele frequency attached by ClinVar (database versions not stated): gnomAD below 0.00001 and 0.00001; gnomAD exomes 0.00003 and 0.00008; ExAC 0.00008.
gnomAD v4.1: 40 of 1,614,060 alleles (0.0025%); highest among the groups gnomAD compares: South Asian, 0.041%; no homozygotes.

Submissions (4):

Labcorp Genetics (formerly Invitae), Labcorp
Classification: Likely benign for BAP1-related tumor predisposition syndrome. Last evaluated: 2025-11-04. Review status: criteria provided, single submitter. Criteria: Invitae Variant Classification Sherloc (09022015). Collection method: clinical testing. Allele origin: germline.

Myriad Genetics, Inc.
Classification: Benign for BAP1-related tumor predisposition syndrome. Last evaluated: 2024-07-16. Review status: criteria provided, single submitter. Criteria: Myriad Autosomal Dominant, Autosomal Recessive and X-Linked Classification Criteria (2023). Collection method: clinical testing. Allele origin: unknown.
Comment: This variant is considered benign. This variant is a silent/synonymous amino acid change and it is not expected to impact splicing.

Color Diagnostics, LLC DBA Color Health
Classification: Likely benign for Hereditary cancer-predisposing syndrome. Last evaluated: 2018-03-27. Review status: criteria provided, single submitter. Criteria: ACMG Guidelines, 2015. Collection method: clinical testing. Allele origin: germline.

Ambry Genetics
Classification: Likely benign for Hereditary cancer-predisposing syndrome. Last evaluated: 2015-12-05. Review status: criteria provided, single submitter. Criteria: Ambry Variant Classification Scheme 2023. Collection method: clinical testing. Allele origin: germline.

NM_004656.4(BAP1):c.1629C>T (p.Cys543=)

Gene: BAP1 (BRCA1 associated deubiquitinase 1; minus strand). Cytogenetic location: 3p21.1.
Variant type: single nucleotide variant.
Coding change: c.1629C>T on transcript NM_004656.4 (MANE Select); coding-DNA position 1629, C replaced by T.
Protein change: p.Cys543=; no amino-acid change (cysteine 543 retained).
Molecular consequence: synonymous variant.
Genome position (GRCh38, 1-based): chr3:52,403,516, G>A on the plus strand (C>T on the coding strand, the complement: BAP1 is on the minus strand). VCF-style: chr3-52403516-G-A. GRCh37 (hg19) VCF-style: chr3-52437532-G-A.
Identifiers: ClinVar variation 629900 (VCV000629900.14), dbSNP rs747971455, ClinGen allele CA2436768.
Genomic context (GRCh38, chr3:52,403,516, plus strand): 5'-GTGCAGCAGGCCTGTGCTGATGACAGGACCCAGATCACGGACAGCACGGTTGTAGCGTAT[G>A]CAGTCAACACGCAGCAGGCTGTCATCCTCTCCAAAAAGCACCTTGGAGATGTGGGAGGTG-3'
Protein context (NP_004647.1, residues 533-553): GEDDSLLRVD[Cys543=]IRYNRAVRDL